The following is an entry in ClinVar:

ClinVar aggregate classification (germline): Uncertain significance (1 of 4 stars; one submission).

Submission:

Labcorp Genetics (formerly Invitae), Labcorp
Classification: Uncertain significance. Last evaluated: 2024-05-20. Review status: criteria provided, single submitter. Criteria: Invitae Variant Classification Sherloc (09022015). Collection method: clinical testing. Allele origin: germline.
Comment: This sequence change replaces arginine, which is basic and polar, with serine, which is neutral and polar, at codon 1535 of the MYO18B protein (p.Arg1535Ser). This variant is not present in population databases (gnomAD no frequency). This variant has not been reported in the literature in individuals affected with MYO18B-related conditions. An algorithm developed to predict the effect of missense changes on protein structure and function (PolyPhen-2) suggests that this variant is likely to be disruptive. In summary, the available evidence is currently insufficient to determine the role of this variant in disease. Therefore, it has been classified as a Variant of Uncertain Significance.

NM_032608.7(MYO18B):c.4603C>A (p.Arg1535Ser)

Genes: MYO18B (myosin XVIIIB; plus strand), MYO18B-AS1 (MYO18B antisense RNA 1; minus strand). Cytogenetic location: 22q12.1.
Variant type: single nucleotide variant.
Coding change: c.4603C>A on transcript NM_032608.7 (MANE Select); coding-DNA position 4603, C replaced by A.
Protein change: p.Arg1535Ser; replaces arginine 1535 with serine.
Molecular consequence: missense variant.
Genome position (GRCh38, 1-based): chr22:25,895,215, C>A. VCF-style: chr22-25895215-C-A. GRCh37 (hg19) VCF-style: chr22-26291182-C-A.
Other names: c.4606C>A, p.Arg1536Ser (NM_001318245.2); short protein forms R1535S, R1536S.
Identifiers: ClinVar variation 3653909 (VCV003653909.2).